The following is an entry in ClinVar:

NM_003640.5(ELP1):c.3026T>C (p.Phe1009Ser)

Gene: ELP1 (elongator acetyltransferase complex subunit 1; minus strand). Cytogenetic location: 9q31.3.
Variant type: single nucleotide variant.
Coding change: c.3026T>C on transcript NM_003640.5 (MANE Select); coding-DNA position 3026, T replaced by C.
Protein change: p.Phe1009Ser; replaces phenylalanine 1009 with serine.
Molecular consequence: missense variant.
Genome position (GRCh38, 1-based): chr9:108,891,337, A>G on the plus strand (T>C on the coding strand, the complement: ELP1 is on the minus strand). VCF-style: chr9-108891337-A-G. GRCh37 (hg19) VCF-style: chr9-111653617-A-G.
Other names: c.2684T>C, p.Phe895Ser (NM_001318360.2); c.1979T>C, p.Phe660Ser (NM_001330749.2); short protein forms F895S, F1009S, F660S.
Identifiers: ClinVar variation 1475311 (VCV001475311.6), dbSNP rs750563722, ClinGen allele CA5174456.
Genomic context (GRCh38, chr9:108,891,337, plus strand): 5'-TTCCAGTTGCCACATGTCAGAAAGGCTGAGAGAGCTTTCTCGTGGGCACCGCAACGGGCA[A>G]ACATGAGCCCCGCTGGCTCATACATGTGCTCCTGCATCAGGTGCTCCCCATAAGCAATGC-3'
Protein context (NP_003631.2, residues 999-1019): EHMYEPAGLM[Phe1009Ser]ARCGAHEKAL

ClinVar aggregate classification (germline): Uncertain significance. Review status: criteria provided, multiple submitters, no conflicts (2 of 4 stars). 2 submissions from 2 submitters: Uncertain significance (2). Last evaluated 2024-11-11.

Conditions:
Familial dysautonomia. Also called: FD; HSAN III. Identifiers: Orphanet 1764, MedGen C0013364, MONDO:0009131, OMIM 223900. Disease mechanism: loss of function.
Medulloblastoma (MDB). Also called: MEDULLOBLASTOMA PREDISPOSITION SYNDROME; Medulloblastoma, somatic. Identifiers: Orphanet 616, MedGen C0025149, MeSH D008527, MONDO:0007959, OMIM 155255, HP:0002885.

Allele frequency attached by ClinVar (database versions not stated): gnomAD exomes 0.00001 and 0.00002; ExAC 0.00002; TOPMed 0.00002.
gnomAD v4.1: 6 of 1,614,200 alleles (0.00037%); highest among the groups gnomAD compares: Admixed American, 0.01%; no homozygotes.

Submissions (2):

Labcorp Genetics (formerly Invitae), Labcorp
Classification: Uncertain significance. Last evaluated: 2024-11-11. Review status: criteria provided, single submitter. Criteria: Invitae Variant Classification Sherloc (09022015). Collection method: clinical testing. Allele origin: germline.
Comment: This sequence change replaces phenylalanine, which is neutral and non-polar, with serine, which is neutral and polar, at codon 1009 of the ELP1 protein (p.Phe1009Ser). This variant is present in population databases (rs750563722, gnomAD 0.02%). This variant has not been reported in the literature in individuals affected with ELP1-related conditions. ClinVar contains an entry for this variant (Variation ID: 1475311). Invitae Evidence Modeling of protein sequence and biophysical properties (such as structural, functional, and spatial information, amino acid conservation, physicochemical variation, residue mobility, and thermodynamic stability) indicates that this missense variant is expected to disrupt ELP1 protein function with a positive predictive value of 80%. In summary, the available evidence is currently insufficient to determine the role of this variant in disease. Therefore, it has been classified as a Variant of Uncertain Significance.

Fulgent Genetics
Classification: Uncertain significance for Medulloblastoma; Familial dysautonomia. Last evaluated: 2021-10-27. Review status: criteria provided, single submitter. Criteria: ACMG Guidelines, 2015. Collection method: clinical testing. Allele origin: unknown.